The following is an entry in ClinVar:

NM_001163809.2(WDR81):c.4950C>T (p.Ala1650=)

Gene: WDR81 (WD repeat domain 81; plus strand). Cytogenetic location: 17p13.3.
Variant type: single nucleotide variant.
Coding change: c.4950C>T on transcript NM_001163809.2 (MANE Select); coding-DNA position 4950, C replaced by T.
Protein change: p.Ala1650=; no amino-acid change (alanine 1650 retained).
Molecular consequence: synonymous variant.
Genome position (GRCh38, 1-based): chr17:1,733,987, C>T. VCF-style: chr17-1733987-C-T. GRCh37 (hg19) VCF-style: chr17-1637281-C-T.
Other names: c.1341C>T, p.Ala447= (NM_001163673.2); c.1269C>T, p.Ala423= (NM_001163811.2); c.1797C>T, p.Ala599= (NM_152348.4).
Identifiers: ClinVar variation 2647202 (VCV002647202.24), dbSNP rs749643926, ClinGen allele CA8273716.

ClinVar aggregate classification (germline): Likely benign (1 of 4 stars; one submission).

Allele frequency attached by ClinVar (database versions not stated): gnomAD 0.00002; gnomAD exomes 0.00004; TOPMed 0.00004; ExAC 0.00008.

Submission:

CeGaT Center for Human Genetics Tuebingen
Classification: Likely benign. Last evaluated: 2025-12-01. Review status: criteria provided, single submitter. Criteria: CeGaT Center For Human Genetics Tuebingen Variant Classification Criteria Version 2. Collection method: clinical testing. Allele origin: germline. Affected: yes. Observed: 2 variant alleles.
Comment: WDR81: BP4, BP7